The following is an entry in ClinVar:

NM_007348.4(ATF6):c.1561C>T (p.Gln521Ter)

Gene: ATF6 (activating transcription factor 6; plus strand). Cytogenetic location: 1q23.3.
Variant type: single nucleotide variant.
Coding change: c.1561C>T on transcript NM_007348.4 (MANE Select); coding-DNA position 1561, C replaced by T.
Protein change: p.Gln521Ter; replaces glutamine 521 with a stop codon.
Molecular consequence: nonsense.
Genome position (GRCh38, 1-based): chr1:161,860,234, C>T. VCF-style: chr1-161860234-C-T. GRCh37 (hg19) VCF-style: chr1-161830024-C-T.
Other names: c.1561C>T, p.Gln521Ter (NM_001410890.1); c.1618C>T, p.Gln540Ter (NM_001437597.1); short protein forms Q521*, Q540*.
Identifiers: ClinVar variation 5005141 (VCV005005141.2).

ClinVar aggregate classification (germline): Likely pathogenic (1 of 4 stars; one submission).

Conditions:
Achromatopsia 7 (ACHM7). Identifiers: Orphanet 49382, MedGen C4225297, MONDO:0014677, OMIM 616517.

gnomAD v4.1: 2 of 1,592,852 alleles (0.00013%); highest among the groups gnomAD compares: Non-Finnish European, 0.00017%; no homozygotes.

Submission:

Juno Genomics, Hangzhou Juno Genomics, Inc
Classification: Likely pathogenic for Achromatopsia 7. Review status: criteria provided, single submitter. Criteria: ACMG Guidelines, 2015. Collection method: clinical testing. Allele origin: germline.
Comment: Null variant in a gene where loss of function (LOF) is a known mechanism of disease.;Absent from controls (or at extremely low frequency if recessive) in Genome Aggregation Database.